The following is an entry in ClinVar:

NM_000052.7(ATP7A):c.2429C>A (p.Ala810Glu)

Gene: ATP7A (ATPase copper transporting alpha; plus strand). Cytogenetic location: Xq21.1.
Variant type: single nucleotide variant.
Coding change: c.2429C>A on transcript NM_000052.7 (MANE Select); coding-DNA position 2429, C replaced by A.
Protein change: p.Ala810Glu; replaces alanine 810 with glutamic acid.
Molecular consequence: missense variant.
Genome position (GRCh38, 1-based): chrX:78,014,684, C>A. VCF-style: chrX-78014684-C-A. GRCh37 (hg19) VCF-style: chrX-77270181-C-A.
Other names: c.2195C>A, p.Ala732Glu (NM_001282224.2); short protein forms A810E, A732E.
Identifiers: ClinVar variation 2930955 (VCV002930955.3), dbSNP rs1382938061, ClinGen allele CA413599862.

ClinVar aggregate classification (germline): Uncertain significance (1 of 4 stars; one submission).

Conditions:
Menkes kinky-hair syndrome (MNK). Also called: Copper transport disease; Menkes Disease; Classic Menkes Disease. Identifiers: Orphanet 565, MedGen C0022716, MONDO:0010651, OMIM 309400.
Cutis laxa, X-linked (OHS). Also called: EDS IX; Occipital horn syndrome. Identifiers: Orphanet 198, MedGen C0268353, MONDO:0010572, OMIM 304150.
X-linked distal spinal muscular atrophy type 3. Also called: ATP7A-Related Distal Motor Neuropathy; SPINAL MUSCULAR ATROPHY, DISTAL, X-LINKED RECESSIVE; NEURONOPATHY, DISTAL HEREDITARY MOTOR, X-LINKED; NEUROPATHY, DISTAL HEREDITARY MOTOR, X-LINKED. Identifiers: Orphanet 139557, MedGen C1845359, MONDO:0010338, OMIM 300489.

gnomAD v4.1: 2 of 1,208,326 alleles (0.00017%); highest among the groups gnomAD compares: Non-Finnish European, 0.00022%; no homozygotes.

Submission:

Labcorp Genetics (formerly Invitae), Labcorp
Classification: Uncertain significance for X-linked distal spinal muscular atrophy type 3; Cutis laxa, X-linked; Menkes kinky-hair syndrome. Last evaluated: 2024-12-10. Review status: criteria provided, single submitter. Criteria: Invitae Variant Classification Sherloc (09022015). Collection method: clinical testing. Allele origin: germline.
Comment: This sequence change replaces alanine, which is neutral and non-polar, with glutamic acid, which is acidic and polar, at codon 810 of the ATP7A protein (p.Ala810Glu). This variant is not present in population databases (gnomAD no frequency). This variant has not been reported in the literature in individuals affected with ATP7A-related conditions. ClinVar contains an entry for this variant (Variation ID: 2930955). Invitae Evidence Modeling of protein sequence and biophysical properties (such as structural, functional, and spatial information, amino acid conservation, physicochemical variation, residue mobility, and thermodynamic stability) indicates that this missense variant is not expected to disrupt ATP7A protein function with a negative predictive value of 95%. In summary, the available evidence is currently insufficient to determine the role of this variant in disease. Therefore, it has been classified as a Variant of Uncertain Significance.